The following is an entry in ClinVar:

NM_000551.4(VHL):c.532C>G (p.Leu178Val)

Genes: VHL (von Hippel-Lindau tumor suppressor; plus strand), LOC107303340 (3p25 von Hippel-Lindau tumor suppressor, E3 ubiquitin protein ligase Alu-mediated recombination region; plus strand). Cytogenetic location: 3p25.3.
Variant type: single nucleotide variant.
Coding change: c.532C>G on transcript NM_000551.4 (MANE Select); coding-DNA position 532, C replaced by G.
Protein change: p.Leu178Val; replaces leucine 178 with valine.
Molecular consequence: missense variant. On other transcripts: 3 prime UTR variant (1).
Genome position (GRCh38, 1-based): chr3:10,149,855, C>G. VCF-style: chr3-10149855-C-G. GRCh37 (hg19) VCF-style: chr3-10191539-C-G.
Other names: c.*86C>G (NM_001354723.2); c.409C>G, p.Leu137Val (NM_198156.3); short protein forms L178V, L137V.
Identifiers: ClinVar variation 572788 (VCV000572788.11), dbSNP rs755146587, ClinGen allele CA041435.

ClinVar aggregate classification (germline): Uncertain significance. Review status: criteria provided, multiple submitters, no conflicts (2 of 4 stars). 3 submissions from 3 submitters: Uncertain significance (3). Last evaluated 2024-04-23.

Conditions:
Hereditary cancer-predisposing syndrome. Also called: Hereditary neoplastic syndrome; Neoplastic Syndromes, Hereditary; Hereditary Cancer Syndrome; Tumor predisposition. Identifiers: Orphanet 140162, MedGen C0027672, MeSH D009386, MONDO:0015356.
Chuvash polycythemia. Also called: POLYCYTHEMIA, VHL-DEPENDENT. Identifiers: Orphanet 238557, MedGen C1837915, MONDO:0009892, OMIM 263400.
Von Hippel-Lindau syndrome (VHLS). Also called: VHL syndrome; Von Hippel-Lindau; von Hippel–Lindau syndrome. Identifiers: Orphanet 892, MedGen C0019562, MONDO:0008667, OMIM 193300. Disease mechanism: loss of function.
Pheochromocytoma. Also called: MAX-Related Hereditary Paraganglioma-Pheochromocytoma Syndrome. Identifiers: Orphanet 29072, MedGen C0031511, MONDO:0008233, OMIM 171300, HP:0002666.
Nonpapillary renal cell carcinoma. Identifiers: Orphanet 422526, MedGen CN074294, MONDO:0007763, OMIM 144700.

Allele frequency attached by ClinVar (database versions not stated): ExAC 0.00001.

Submissions (3):

Department of Pathology and Laboratory Medicine, Sinai Health System
Classification: Uncertain significance for Nonpapillary renal cell carcinoma; Pheochromocytoma; Von Hippel-Lindau syndrome; Chuvash polycythemia. Last evaluated: 2024-04-23. Review status: criteria provided, single submitter. Criteria: ACMG Guidelines, 2015. Collection method: clinical testing. Allele origin: germline. Affected: yes.

Ambry Genetics
Classification: Uncertain significance for Hereditary cancer-predisposing syndrome. Last evaluated: 2023-05-10. Review status: criteria provided, single submitter. Criteria: Ambry Variant Classification Scheme 2023. Collection method: clinical testing. Allele origin: germline.
Comment: The p.L178V variant (also known as c.532C>G), located in coding exon 3 of the VHL gene, results from a C to G substitution at nucleotide position 532. The leucine at codon 178 is replaced by valine, an amino acid with highly similar properties. This amino acid position is highly conserved in available vertebrate species. In addition, this alteration is predicted to be deleterious by in silico analysis. Since supporting evidence is limited at this time, the clinical significance of this alteration remains unclear.

Labcorp Genetics (formerly Invitae), Labcorp
Classification: Uncertain significance for Von Hippel-Lindau syndrome; Chuvash polycythemia. Last evaluated: 2022-08-17. Review status: criteria provided, single submitter. Criteria: Invitae Variant Classification Sherloc (09022015). Collection method: clinical testing. Allele origin: germline.
Comment: ClinVar contains an entry for this variant (Variation ID: 572788). This variant has not been reported in the literature in individuals affected with VHL-related conditions. This variant is present in population databases (rs755146587, gnomAD 0.0009%). This sequence change replaces leucine, which is neutral and non-polar, with valine, which is neutral and non-polar, at codon 178 of the VHL protein (p.Leu178Val). In summary, the available evidence is currently insufficient to determine the role of this variant in disease. Therefore, it has been classified as a Variant of Uncertain Significance. This variant disrupts the p.Leu178 amino acid residue in VHL. Other variant(s) that disrupt this residue have been determined to be pathogenic (PMID: 7987306, 17024664, 19464396, 19763184, 27527340). This suggests that this residue is clinically significant, and that variants that disrupt this residue are likely to be disease-causing. Advanced modeling of protein sequence and biophysical properties (such as structural, functional, and spatial information, amino acid conservation, physicochemical variation, residue mobility, and thermodynamic stability) performed at Invitae indicates that this missense variant is expected to disrupt VHL protein function.

Literature cited by the submitters: PubMed 7987306 (cited by Labcorp Genetics (formerly Invitae), Labcorp); PubMed 17024664 (cited by Labcorp Genetics (formerly Invitae), Labcorp); PubMed 19464396 (cited by Labcorp Genetics (formerly Invitae), Labcorp); PubMed 19763184 (cited by Labcorp Genetics (formerly Invitae), Labcorp); PubMed 27527340 (cited by Labcorp Genetics (formerly Invitae), Labcorp).